The following is an entry in ClinVar:

NM_006617.2(NES):c.3252G>A (p.Leu1084=)

Gene: NES (nestin; minus strand). Cytogenetic location: 1q23.1.
Variant type: single nucleotide variant.
Coding change: c.3252G>A on transcript NM_006617.2 (MANE Select); coding-DNA position 3252, G replaced by A.
Protein change: p.Leu1084=; no amino-acid change (leucine 1084 retained).
Molecular consequence: synonymous variant.
Genome position (GRCh38, 1-based): chr1:156,670,936, C>T on the plus strand (G>A on the coding strand, the complement: NES is on the minus strand). VCF-style: chr1-156670936-C-T. GRCh37 (hg19) VCF-style: chr1-156640728-C-T.
Identifiers: ClinVar variation 3772606 (VCV003772606.13).

ClinVar aggregate classification (germline): Likely benign (1 of 4 stars; one submission).

Submission:

CeGaT Center for Human Genetics Tuebingen
Classification: Likely benign. Last evaluated: 2025-02-01. Review status: criteria provided, single submitter. Criteria: CeGaT Center For Human Genetics Tuebingen Variant Classification Criteria Version 2. Collection method: clinical testing. Allele origin: germline. Affected: yes. Observed: 1 variant allele.
Comment: NES: PM2:Supporting, BP4, BP7